The following is an entry in ClinVar:

NM_016151.4(TAOK2):c.2282C>T (p.Ala761Val)

Gene: TAOK2 (TAO kinase 2; plus strand). Cytogenetic location: 16p11.2.
Variant type: single nucleotide variant.
Coding change: c.2282C>T on transcript NM_016151.4 (MANE Select); coding-DNA position 2282, C replaced by T.
Protein change: p.Ala761Val; replaces alanine 761 with valine.
Molecular consequence: missense variant. On other transcripts: intron variant (2).
Genome position (GRCh38, 1-based): chr16:29,986,554, C>T. VCF-style: chr16-29986554-C-T. GRCh37 (hg19) VCF-style: chr16-29997875-C-T.
Other names: c.2232+50C>T (NM_004783.4, NM_001252043.2); c.2282C>T (NM_016151.2); short protein forms A761V.
Identifiers: ClinVar variation 1914930 (VCV001914930.6), dbSNP rs746888550, ClinGen allele CA7998352.

ClinVar aggregate classification (germline): Uncertain significance. Review status: criteria provided, multiple submitters, no conflicts (2 of 4 stars). 2 submissions from 2 submitters: Uncertain significance (2). Last evaluated 2025-04-07.

Allele frequency attached by ClinVar (database versions not stated): gnomAD exomes below 0.00001; ExAC 0.00001; TOPMed 0.00001.
gnomAD v4.1: 1 of 1,613,902 alleles (0.000062%); highest among the groups gnomAD compares: South Asian, 0.0011%; no homozygotes.

Submissions (2):

Ambry Genetics
Classification: Uncertain significance. Last evaluated: 2025-04-07. Review status: criteria provided, single submitter. Criteria: Ambry Variant Classification Scheme 2023. Collection method: clinical testing. Allele origin: germline.

Labcorp Genetics (formerly Invitae), Labcorp
Classification: Uncertain significance. Last evaluated: 2024-07-29. Review status: criteria provided, single submitter. Criteria: Invitae Variant Classification Sherloc (09022015). Collection method: clinical testing. Allele origin: germline.
Comment: This sequence change replaces alanine, which is neutral and non-polar, with valine, which is neutral and non-polar, at codon 761 of the TAOK2 protein (p.Ala761Val). This variant is present in population databases (rs746888550, gnomAD 0.003%). This variant has not been reported in the literature in individuals affected with TAOK2-related conditions. ClinVar contains an entry for this variant (Variation ID: 1914930). An algorithm developed to predict the effect of missense changes on protein structure and function (PolyPhen-2) suggests that this variant is likely to be tolerated. In summary, the available evidence is currently insufficient to determine the role of this variant in disease. Therefore, it has been classified as a Variant of Uncertain Significance.